The following is an entry in ClinVar:

NM_016492.5(RANGRF):c.176G>T (p.Arg59Leu)

Genes: RANGRF (RAN guanine nucleotide release factor; plus strand), SLC25A35 (solute carrier family 25 member 35; minus strand). Cytogenetic location: 17p13.1.
Variant type: single nucleotide variant.
Coding change: c.176G>T on transcript NM_016492.5 (MANE Select); coding-DNA position 176, G replaced by T.
Protein change: p.Arg59Leu; replaces arginine 59 with leucine.
Molecular consequence: missense variant. On other transcripts: 3 prime UTR variant (2), non-coding transcript variant (2), intron variant (1).
Genome position (GRCh38, 1-based): chr17:8,289,054, G>T. VCF-style: chr17-8289054-G-T. GRCh37 (hg19) VCF-style: chr17-8192372-G-T.
Other names: c.176G>T, p.Arg59Leu (NM_001177801.2, NM_001177802.2, NM_001330127.2); c.*429C>A (NM_001320872.2); c.*562C>A (NM_201520.3); c.*42+520C>A (NM_001320871.2); short protein forms R59L.
Identifiers: ClinVar variation 2788278 (VCV002788278.3), dbSNP rs750625803, ClinGen allele CA8374336.

ClinVar aggregate classification (germline): Uncertain significance (1 of 4 stars; one submission).

Conditions:
Cardiac arrhythmia. Also called: Arrhythmia; Cardiac rhythm disease. Identifiers: MedGen C0003811, MONDO:0007263, HP:0011675.

Allele frequency attached by ClinVar (database versions not stated): ExAC 0.00006.
gnomAD v4.1: 18 of 1,613,628 alleles (0.0011%); highest among the groups gnomAD compares: Admixed American, 0.018%; no homozygotes.

Submission:

Labcorp Genetics (formerly Invitae), Labcorp
Classification: Uncertain significance for Cardiac arrhythmia. Last evaluated: 2025-10-28. Review status: criteria provided, single submitter. Criteria: Invitae Variant Classification Sherloc (09022015). Collection method: clinical testing. Allele origin: germline.
Comment: This sequence change replaces arginine, which is basic and polar, with leucine, which is neutral and non-polar, at codon 59 of the RANGRF protein (p.Arg59Leu). This variant is present in population databases (rs750625803, gnomAD 0.02%). This variant has not been reported in the literature in individuals affected with RANGRF-related conditions. ClinVar contains an entry for this variant (Variation ID: 2788278). An algorithm developed to predict the effect of missense changes on protein structure and function outputs the following: PolyPhen-2: "Benign". The leucine amino acid residue is found in multiple mammalian species, which suggests that this missense change does not adversely affect protein function. In summary, the available evidence is currently insufficient to determine the role of this variant in disease. Therefore, it has been classified as a Variant of Uncertain Significance.